The following is an entry in ClinVar:

ClinVar aggregate classification (germline): Uncertain significance. Review status: criteria provided, multiple submitters, no conflicts (2 of 4 stars). 2 submissions from 2 submitters: Uncertain significance (2). Last evaluated 2022-03-13.

Conditions:
Peroxisome biogenesis disorder 11A (Zellweger). Also called: Peroxisome biogenesis disorder 11A. Identifiers: Orphanet 912, MedGen C3554000, MONDO:0013949, OMIM 614883.
Inborn genetic diseases. Identifiers: MedGen C0950123, MeSH D030342.

Allele frequency attached by ClinVar (database versions not stated): gnomAD 0.00001; TOPMed 0.00001; ExAC 0.00002.

Submissions (2):

Labcorp Genetics (formerly Invitae), Labcorp
Classification: Uncertain significance for Peroxisome biogenesis disorder 11A (Zellweger). Last evaluated: 2022-03-13. Review status: criteria provided, single submitter. Criteria: Invitae Variant Classification Sherloc (09022015). Collection method: clinical testing. Allele origin: germline.
Comment: This sequence change replaces histidine, which is basic and polar, with tyrosine, which is neutral and polar, at codon 174 of the PEX13 protein (p.His174Tyr). This variant is present in population databases (rs748313567, gnomAD 0.002%). This variant has not been reported in the literature in individuals affected with PEX13-related conditions. Algorithms developed to predict the effect of missense changes on protein structure and function are either unavailable or do not agree on the potential impact of this missense change (SIFT: "Tolerated"; PolyPhen-2: "Probably Damaging"; Align-GVGD: "Class C0"). In summary, the available evidence is currently insufficient to determine the role of this variant in disease. Therefore, it has been classified as a Variant of Uncertain Significance.

Ambry Genetics
Classification: Uncertain significance for Inborn genetic diseases. Last evaluated: 2021-07-20. Review status: criteria provided, single submitter. Criteria: Ambry Variant Classification Scheme 2023. Collection method: clinical testing. Allele origin: germline.

NM_002618.4(PEX13):c.520C>T (p.His174Tyr)

Gene: PEX13 (peroxisomal biogenesis factor 13; plus strand). Cytogenetic location: 2p15.
Variant type: single nucleotide variant.
Coding change: c.520C>T on transcript NM_002618.4 (MANE Select); coding-DNA position 520, C replaced by T.
Protein change: p.His174Tyr; replaces histidine 174 with tyrosine.
Molecular consequence: missense variant.
Genome position (GRCh38, 1-based): chr2:61,031,846, C>T. VCF-style: chr2-61031846-C-T. GRCh37 (hg19) VCF-style: chr2-61258981-C-T.
Other names: c.520C>T (NM_002618.3); short protein forms H174Y.
Identifiers: ClinVar variation 2160468 (VCV002160468.2), dbSNP rs748313567, ClinGen allele CA1673307.